The following is an entry in ClinVar:

ClinVar aggregate classification (germline): Uncertain significance. Review status: criteria provided, multiple submitters, no conflicts (2 of 4 stars). 2 submissions from 2 submitters: Uncertain significance (2). Last evaluated 2025-10-01.

Conditions:
Hereditary cancer-predisposing syndrome. Also called: Hereditary neoplastic syndrome; Neoplastic Syndromes, Hereditary; Tumor predisposition; Hereditary Cancer Syndrome. Identifiers: Orphanet 140162, MedGen C0027672, MeSH D009386, MONDO:0015356.
EGFR-related lung cancer (EGFR). Identifiers: MedGen CN130014.

Allele frequency attached by ClinVar (database versions not stated): gnomAD exomes below 0.00001.
gnomAD v4.1: 1 of 1,614,170 alleles (0.000062%); highest among the groups gnomAD compares: Non-Finnish European, 0.000085%; no homozygotes.

Submissions (2):

Ambry Genetics
Classification: Uncertain significance for Hereditary cancer-predisposing syndrome. Last evaluated: 2025-10-01. Review status: criteria provided, single submitter. Criteria: Ambry Variant Classification Scheme 2023. Collection method: clinical testing. Allele origin: germline.
Comment: The p.A611V variant (also known as c.1832C>T), located in coding exon 15 of the EGFR gene, results from a C to T substitution at nucleotide position 1832. The alanine at codon 611 is replaced by valine, an amino acid with similar properties. This amino acid position is conserved. In addition, this alteration is predicted to be tolerated by in silico analysis. Based on the available evidence, the clinical significance of this variant remains unclear.

Labcorp Genetics (formerly Invitae), Labcorp
Classification: Uncertain significance for EGFR-related lung cancer. Last evaluated: 2023-09-03. Review status: criteria provided, single submitter. Criteria: Invitae Variant Classification Sherloc (09022015). Collection method: clinical testing. Allele origin: germline.
Comment: This sequence change replaces alanine, which is neutral and non-polar, with valine, which is neutral and non-polar, at codon 611 of the EGFR protein (p.Ala611Val). This variant is not present in population databases (gnomAD no frequency). This variant has not been reported in the literature in individuals affected with EGFR-related conditions. Advanced modeling of protein sequence and biophysical properties (such as structural, functional, and spatial information, amino acid conservation, physicochemical variation, residue mobility, and thermodynamic stability) performed at Invitae indicates that this missense variant is not expected to disrupt EGFR protein function. In summary, the available evidence is currently insufficient to determine the role of this variant in disease. Therefore, it has been classified as a Variant of Uncertain Significance.

NM_005228.5(EGFR):c.1832C>T (p.Ala611Val)

Gene: EGFR (epidermal growth factor receptor; plus strand). Cytogenetic location: 7p11.2.
Variant type: single nucleotide variant.
Coding change: c.1832C>T on transcript NM_005228.5 (MANE Select); coding-DNA position 1832, C replaced by T.
Protein change: p.Ala611Val; replaces alanine 611 with valine.
Molecular consequence: missense variant.
Genome position (GRCh38, 1-based): chr7:55,165,389, C>T. VCF-style: chr7-55165389-C-T. GRCh37 (hg19) VCF-style: chr7-55233082-C-T.
Other names: c.1697C>T, p.Ala566Val (NM_001346897.2, NM_001346899.2); c.1832C>T, p.Ala611Val (NM_001346898.2, NM_201282.2, NM_201284.2); c.1673C>T, p.Ala558Val (NM_001346900.2); c.1031C>T, p.Ala344Val (NM_001346941.2); short protein forms A344V, A611V, A558V, A566V.
Identifiers: ClinVar variation 2789784 (VCV002789784.4), dbSNP rs2128946417, ClinGen allele CA367581031.